The following is an entry in ClinVar:

ClinVar aggregate classification (germline): Uncertain significance (1 of 4 stars; one submission).

Submission:

Labcorp Genetics (formerly Invitae), Labcorp
Classification: Uncertain significance. Last evaluated: 2024-11-11. Review status: criteria provided, single submitter. Criteria: Invitae Variant Classification Sherloc (09022015). Collection method: clinical testing. Allele origin: germline.
Comment: This sequence change results in a frameshift in the CNGB1 gene (p.Ser1195Valfs*98). While this is not anticipated to result in nonsense mediated decay, it is expected to disrupt the last 57 amino acid(s) of the CNGB1 protein and extend the protein by 40 additional amino acid residues. This variant is not present in population databases (gnomAD no frequency). This variant has not been reported in the literature in individuals affected with CNGB1-related conditions. ClinVar contains an entry for this variant (Variation ID: 1390538). Experimental studies and prediction algorithms are not available or were not evaluated, and the functional significance of this variant is currently unknown. In summary, the available evidence is currently insufficient to determine the role of this variant in disease. Therefore, it has been classified as a Variant of Uncertain Significance.

NM_001297.5(CNGB1):c.3582dup (p.Ser1195fs)

Gene: CNGB1 (cyclic nucleotide gated channel subunit beta 1; minus strand). Cytogenetic location: 16q21.
Variant type: Duplication.
Coding change: c.3582dup on transcript NM_001297.5 (MANE Select); coding-DNA position 3582, one base duplicated (G; older notation c.3582dupG).
Protein change: p.Ser1195fs; shifts the reading frame from serine 1195.
Molecular consequence: frameshift variant.
Genome position (GRCh38, 1-based): chr16:57,884,338, C duplicated on the plus strand (G on the coding strand, the reverse complement: CNGB1 is on the minus strand); the first of 4 consecutive C bases (chr16:57,884,338-57,884,341); duplicating any one gives the same sequence. VCF-style (leftmost placement, unchanged base first): chr16-57884337-A-AC. GRCh37 (hg19) VCF-style: chr16-57918241-A-AC.
Other names: c.3564dup, p.Ser1189fs (NM_001286130.2); short protein forms S1189fs, S1195fs.
Identifiers: ClinVar variation 1390538 (VCV001390538.6), dbSNP rs2149350174, ClinGen allele CA2573152487.
Genomic context (GRCh38, chr16:57,884,337, plus strand): 5'-GCCCCTCCTCCTCTCCCTCCGGCCTCCCAAGGGAGGCAGGCGGTGGAGAGCTCGGTGGAG[A>AC]CCCCGGGGGCTCGGGGGGCGTCCGGGGCGCGGGTGGGTCGGTGGCGGCCTCCTTTGGGTG-3'